The following is an entry in ClinVar:

ClinVar aggregate classification (germline): Pathogenic (1 of 4 stars; one submission).

Conditions:
Bloom syndrome (BLM). Also called: Bloom-Torre-Machacek syndrome. Identifiers: Orphanet 125, MedGen C0005859, MONDO:0008876, OMIM 210900.

Submission:

Myriad Genetics, Inc.
Classification: Pathogenic for Bloom syndrome. Last evaluated: 2026-04-28. Review status: criteria provided, single submitter. Criteria: Myriad Autosomal Dominant, Autosomal Recessive and X-Linked Classification Criteria (2023). Collection method: clinical testing. Allele origin: unknown.
Comment: NM_000057.3(BLM):c.1815_1818delAGAC(D606Vfs*11) is a frameshift variant classified as pathogenic in the context of Bloom syndrome. D606Vfs*11 has not been observed in cases with relevant disease. Relevant functional assessments of this variant are not available in the literature. D606Vfs*11 has not been observed in referenced population frequency databases. In summary, NM_000057.3(BLM):c.1815_1818delAGAC(D606Vfs*11) is a frameshift variant in a gene where loss of function is a known mechanism of disease and is predicted to disrupt protein function. Please note: this variant was assessed in the context of healthy population screening.

NM_000057.4(BLM):c.1815_1818del (p.Asp606fs)

Gene: BLM (BLM RecQ like helicase; plus strand). Cytogenetic location: 15q26.1.
Variant type: Microsatellite.
Coding change: c.1815_1818del on transcript NM_000057.4 (MANE Select); coding-DNA positions 1815 to 1818, 4 bases deleted (AGAC; older notation c.1815_1818delAGAC).
Protein change: p.Asp606fs; shifts the reading frame from aspartic acid 606.
Molecular consequence: frameshift variant.
Genome position (GRCh38, 1-based): chr15:90,761,188-90,761,191, AGAC deleted; deleting any 4 consecutive bases within chr15:90,761,184-90,761,191 gives the same sequence; the c. name uses the placement nearest the transcript's 3' end. VCF-style (leftmost placement, unchanged base first): chr15-90761183-AAGAC-A. GRCh37 (hg19) VCF-style: chr15-91304413-AAGAC-A.
Other names: c.1815_1818del, p.Asp606fs (NM_001287246.2, NM_001287247.2); c.690_693del, p.Asp231fs (NM_001287248.2); short protein forms D231fs, D606fs.
Identifiers: ClinVar variation 5004634 (VCV005004634.1).
Genomic context (GRCh38, chr15:90,761,183, plus strand): 5'-TATCAACCCATCAAGGAAGGTCGGCCAATTAAATCAGTATCAGAAAGACTTTCCTCAGCC[AAGAC>A]AGACTGTCTTCCAGTGTCATCTACTGCTCAAAATATAAACTTCTCAGAGTCAATTCAGAA-3'